The following is an entry in ClinVar:

ClinVar aggregate classification (germline): Uncertain significance. Review status: criteria provided, multiple submitters, no conflicts (2 of 4 stars). 2 submissions from 2 submitters: Uncertain significance (2). Last evaluated 2025-01-16.

Conditions:
Hereditary cancer-predisposing syndrome. Also called: Neoplastic Syndromes, Hereditary; Hereditary Cancer Syndrome; Hereditary neoplastic syndrome; Tumor predisposition. Identifiers: Orphanet 140162, MedGen C0027672, MeSH D009386, MONDO:0015356.
Multiple endocrine neoplasia, type 2 (MEN2). Identifiers: Orphanet 653, MedGen C4048306, MONDO:0019003. Disease mechanism: gain of function.

gnomAD v4.1: 2 of 1,606,466 alleles (0.00012%); highest among the groups gnomAD compares: Non-Finnish European, 0.00017%; no homozygotes.

Submissions (2):

Ambry Genetics
Classification: Uncertain significance for Hereditary cancer-predisposing syndrome. Last evaluated: 2025-01-16. Review status: criteria provided, single submitter. Criteria: Ambry Variant Classification Scheme 2023. Collection method: clinical testing. Allele origin: germline.
Comment: The p.P628A variant (also known as c.1882C>G), located in coding exon 11 of the RET gene, results from a C to G substitution at nucleotide position 1882. The proline at codon 628 is replaced by alanine, an amino acid with highly similar properties. This amino acid position is not well conserved in available vertebrate species. In addition, the in silico prediction for this alteration is inconclusive. Based on the available evidence, the clinical significance of this variant remains unclear.

Labcorp Genetics (formerly Invitae), Labcorp
Classification: Uncertain significance for Multiple endocrine neoplasia, type 2. Last evaluated: 2017-06-28. Review status: criteria provided, single submitter. Criteria: Invitae Variant Classification Sherloc (09022015). Collection method: clinical testing. Allele origin: germline.
Comment: In summary, the available evidence is currently insufficient to determine the role of this variant in disease. Therefore, it has been classified as a Variant of Uncertain Significance. Algorithms developed to predict the effect of missense changes on protein structure and function output the following: SIFT: "Tolerated"; PolyPhen-2: "Benign"; Align-GVGD: "Class C0". The alanine amino acid residue is found in multiple mammalian species, suggesting that this missense change does not adversely affect protein function. These predictions have not been confirmed by published functional studies and their clinical significance is uncertain. This sequence change replaces proline with alanine at codon 628 of the RET protein (p.Pro628Ala). The proline residue is moderately conserved and there is a small physicochemical difference between proline and alanine. This variant is not present in population databases (ExAC no frequency). This variant has not been reported in the literature in individuals with RET-related disease.

NM_020975.6(RET):c.1882C>G (p.Pro628Ala)

Gene: RET (ret proto-oncogene; plus strand). Cytogenetic location: 10q11.21.
Variant type: single nucleotide variant.
Coding change: c.1882C>G on transcript NM_020975.6 (MANE Select); coding-DNA position 1882, C replaced by G.
Protein change: p.Pro628Ala; replaces proline 628 with alanine.
Molecular consequence: missense variant.
Genome position (GRCh38, 1-based): chr10:43,114,482, C>G. VCF-style: chr10-43114482-C-G. GRCh37 (hg19) VCF-style: chr10-43609930-C-G.
Other names: c.1882C>G, p.Pro628Ala (NM_000323.2, NM_001406743.1, NM_001406744.1 and 4 more transcripts); c.1120C>G, p.Pro374Ala (NM_001355216.2); c.1753C>G, p.Pro585Ala (NM_001406761.1, NM_001406762.1, NM_001406764.1); c.1594C>G, p.Pro532Ala (NM_001406766.1, NM_001406767.1, NM_001406770.1); c.1486C>G, p.Pro496Ala (NM_001406769.1, NM_001406772.1); c.1444C>G, p.Pro482Ala (NM_001406771.1, NM_001406773.1); c.1357C>G, p.Pro453Ala (NM_001406774.1); c.1156C>G, p.Pro386Ala (NM_001406775.1, NM_001406776.1, NM_001406777.1 and 1 more transcripts); and 7 more; short protein forms P628A, P374A, P145A, P298A, P453A, P496A, P329A, P482A.
Identifiers: ClinVar variation 477330 (VCV000477330.13), dbSNP rs754466051, ClinGen allele CA376552888.
Genomic context (GRCh38, chr10:43,114,482, plus strand): 5'-GTACCCAGTGGTGCCGAGCCTCTGGCGGTGCCAAGCCTCACACCACCCCCACCCACAGAT[C>G]CACTGTGCGACGAGCTGTGCCGCACGGTGATCGCAGCCGCTGTCCTCTTCTCCTTCATCG-3'
Protein context (NP_066124.1, residues 618-638): CFCEPEDIQD[Pro628Ala]LCDELCRTVI